The following is an entry in ClinVar:

ClinVar aggregate classification (germline): Uncertain significance. Review status: criteria provided, multiple submitters, no conflicts (2 of 4 stars). 3 submissions from 3 submitters: Uncertain significance (2). 1 of the submissions does not count toward it. Last evaluated 2025-04-30.

Conditions:
Inborn genetic diseases. Identifiers: MedGen C0950123, MeSH D030342.
PHIP-related disorder. Also called: PHIP-related condition; PHIP-related disorders.

Allele frequency attached by ClinVar (database versions not stated): gnomAD exomes below 0.00001; gnomAD 0.00001; TOPMed 0.00001.
gnomAD v4.1: 4 of 1,613,866 alleles (0.00025%); highest among the groups gnomAD compares: Non-Finnish European, 0.00034%; no homozygotes.

Submissions (3):

Labcorp Genetics (formerly Invitae), Labcorp
Classification: Uncertain significance. Last evaluated: 2025-04-30. Review status: criteria provided, single submitter. Criteria: Invitae Variant Classification Sherloc (09022015). Collection method: clinical testing. Allele origin: germline.
Comment: This sequence change replaces methionine, which is neutral and non-polar, with valine, which is neutral and non-polar, at codon 239 of the PHIP protein (p.Met239Val). This variant is present in population databases (no rsID available, gnomAD 0.002%). This variant has not been reported in the literature in individuals affected with PHIP-related conditions. ClinVar contains an entry for this variant (Variation ID: 3029380). Invitae Evidence Modeling of protein sequence and biophysical properties (such as structural, functional, and spatial information, amino acid conservation, physicochemical variation, residue mobility, and thermodynamic stability) has been performed for this missense variant. However, the output from this modeling did not meet the statistical confidence thresholds required to predict the impact of this variant on PHIP protein function. In summary, the available evidence is currently insufficient to determine the role of this variant in disease. Therefore, it has been classified as a Variant of Uncertain Significance.

Ambry Genetics
Classification: Uncertain significance for Inborn genetic diseases. Last evaluated: 2025-04-16. Review status: criteria provided, single submitter. Criteria: Ambry Variant Classification Scheme 2023. Collection method: clinical testing. Allele origin: germline.

PreventionGenetics, part of Exact Sciences
Classification: Uncertain significance for PHIP-related condition. Last evaluated: 2023-10-20. Review status: no assertion criteria provided. Collection method: clinical testing. Allele origin: germline. Not counted in ClinVar's aggregate classification.
Comment: The PHIP c.715A>G variant is predicted to result in the amino acid substitution p.Met239Val. To our knowledge, this variant has not been reported in the literature. This variant is reported in 0.0023% of alleles in individuals of European (Non-Finnish) descent in gnomAD. At this time, the clinical significance of this variant is uncertain due to the absence of conclusive functional and genetic evidence.

NM_017934.7(PHIP):c.715A>G (p.Met239Val)

Gene: PHIP (PHIP subunit of CUL4-Ring ligase complex; minus strand). Cytogenetic location: 6q14.1.
Variant type: single nucleotide variant.
Coding change: c.715A>G on transcript NM_017934.7 (MANE Select); coding-DNA position 715, A replaced by G.
Protein change: p.Met239Val; replaces methionine 239 with valine.
Molecular consequence: missense variant.
Genome position (GRCh38, 1-based): chr6:79,026,050, T>C on the plus strand (A>G on the coding strand, the complement: PHIP is on the minus strand). VCF-style: chr6-79026050-T-C. GRCh37 (hg19) VCF-style: chr6-79735767-T-C.
Other names: c.715A>G (NM_017934.5); short protein forms M239V.
Identifiers: ClinVar variation 3029380 (VCV003029380.5), dbSNP rs1483092371, ClinGen allele CA364639933.